The following is an entry in ClinVar:

NM_001267550.2(TTN):c.11312-5329A>G

Gene: TTN (titin; minus strand). Cytogenetic location: 2q31.2.
Variant type: single nucleotide variant.
Coding change: c.11312-5329A>G on transcript NM_001267550.2 (MANE Select); 5329 bases into the intron before coding-DNA position 11312, A replaced by G.
Molecular consequence: intron variant. On other transcripts: synonymous variant (1).
Genome position (GRCh38, 1-based): chr2:178,747,250, T>C on the plus strand (A>G on the coding strand, the complement: TTN is on the minus strand). VCF-style: chr2-178747250-T-C. GRCh37 (hg19) VCF-style: chr2-179611977-T-C.
Other names: c.15150A>G, p.Arg5050= (NM_133379.5); c.10223-5329A>G (NM_003319.4); c.10799-5329A>G (NM_133437.4); c.10598-5329A>G (NM_133432.3); c.10360+5874A>G (NM_133378.4); c.10361-5329A>G (NM_001256850.1).
Identifiers: ClinVar variation 1879510 (VCV001879510.29), dbSNP rs2531111830, ClinGen allele CA2580065119.

ClinVar aggregate classification (germline): Likely benign (1 of 4 stars; one submission).

Submission:

CeGaT Center for Human Genetics Tuebingen
Classification: Likely benign. Last evaluated: 2022-10-01. Review status: criteria provided, single submitter. Criteria: CeGaT Center For Human Genetics Tuebingen Variant Classification Criteria Version 2. Collection method: clinical testing. Allele origin: germline. Affected: yes. Observed: 1 variant allele.
Comment: TTN: PM2:Supporting, BP4, BP7